The following is an entry in ClinVar:

ClinVar aggregate classification (germline): Uncertain significance (1 of 4 stars; one submission).

Submission:

Labcorp Genetics (formerly Invitae), Labcorp
Classification: Uncertain significance. Last evaluated: 2025-08-13. Review status: criteria provided, single submitter. Criteria: Invitae Variant Classification Sherloc (09022015). Collection method: clinical testing. Allele origin: germline.
Comment: This variant, c.201_209del, results in the deletion of 3 amino acid(s) of the FOXI3 protein (p.Ala72_Ala74del), but otherwise preserves the integrity of the reading frame. The frequency data for this variant in the population databases is considered unreliable, as metrics indicate insufficient coverage at this position in the gnomAD database. This variant has not been reported in the literature in individuals affected with FOXI3-related conditions. Experimental studies and prediction algorithms are not available or were not evaluated, and the functional significance of this variant is currently unknown. In summary, the available evidence is currently insufficient to determine the role of this variant in disease. Therefore, it has been classified as a Variant of Uncertain Significance.

NM_001135649.3(FOXI3):c.198CGC[1] (p.Ala72_Ala74del)

Gene: FOXI3 (forkhead box I3; minus strand). Cytogenetic location: 2p11.2.
Variant type: Microsatellite.
Coding change: c.198CGC[1] on transcript NM_001135649.3 (MANE Select); one copy of the 3-base unit CGC starting at c.198; the reference has four copies in a row; three copies, 9 bases deleted.
Protein change: p.Ala72_Ala74del.
Genome position (GRCh38, 1-based): chr2:88,452,327-88,452,335, GCGGCGGCG deleted on the plus strand (CGCCGCCGC on the coding strand, the reverse complement: FOXI3 is on the minus strand); deleting any 9 consecutive bases within chr2:88,452,327-88,452,339 gives the same sequence; the position shown is the placement nearest the transcript's 3' end. VCF-style (leftmost placement, unchanged base first): chr2-88452326-TGCGGCGGCG-T. GRCh37 (hg19) VCF-style: chr2-88751844-TGCGGCGGCG-T.
Identifiers: ClinVar variation 4759581 (VCV004759581.1).